The following is an entry in ClinVar:

ClinVar aggregate classification (germline): Uncertain significance (1 of 4 stars; one submission).

Submission:

GeneDx
Classification: Uncertain significance. Last evaluated: 2025-08-02. Review status: criteria provided, single submitter. Criteria: GeneDx Variant Classification Process June 2021. Collection method: clinical testing. Allele origin: germline. Affected: yes.
Comment: Not observed at significant frequency in large population cohorts (gnomAD); In silico analysis suggests that this missense variant does not alter protein structure/function; Has not been previously published as pathogenic or benign to our knowledge

NM_003458.4(BSN):c.3671T>G (p.Leu1224Arg)

Gene: BSN (bassoon presynaptic cytomatrix protein; plus strand). Cytogenetic location: 3p21.31.
Variant type: single nucleotide variant.
Coding change: c.3671T>G on transcript NM_003458.4 (MANE Select); coding-DNA position 3671, T replaced by G.
Protein change: p.Leu1224Arg; replaces leucine 1224 with arginine.
Molecular consequence: missense variant.
Genome position (GRCh38, 1-based): chr3:49,653,227, T>G. VCF-style: chr3-49653227-T-G. GRCh37 (hg19) VCF-style: chr3-49690660-T-G.
Other names: short protein forms L1224R.
Identifiers: ClinVar variation 4690196 (VCV004690196.1).